The following is an entry in ClinVar:

NM_000170.3(GLDC):c.815A>T (p.Lys272Met)

Gene: GLDC (glycine decarboxylase; minus strand). Cytogenetic location: 9p24.1.
Variant type: single nucleotide variant.
Coding change: c.815A>T on transcript NM_000170.3 (MANE Select); coding-DNA position 815, A replaced by T.
Protein change: p.Lys272Met; replaces lysine 272 with methionine.
Molecular consequence: missense variant.
Genome position (GRCh38, 1-based): chr9:6,605,177, T>A on the plus strand (A>T on the coding strand, the complement: GLDC is on the minus strand). VCF-style: chr9-6605177-T-A. GRCh37 (hg19) VCF-style: chr9-6605177-T-A.
Other names: short protein forms K272M.
Identifiers: ClinVar variation 2182590 (VCV002182590.4), dbSNP rs566939288, ClinGen allele CA372896356.

ClinVar aggregate classification (germline): Uncertain significance (1 of 4 stars; one submission).

Conditions:
Glycine encephalopathy. Also called: Nonketotic hyperglycinemia; Non-ketotic hyperglycinemia. Identifiers: Orphanet 407, MedGen C0751748, MONDO:0011612, HP:0008288.

gnomAD v4.1: 1 of 1,613,480 alleles (0.000062%); highest among the groups gnomAD compares: African/African-American, 0.0013%; no homozygotes.

Submission:

Labcorp Genetics (formerly Invitae), Labcorp
Classification: Uncertain significance for Glycine encephalopathy. Last evaluated: 2022-07-03. Review status: criteria provided, single submitter. Criteria: Invitae Variant Classification Sherloc (09022015). Collection method: clinical testing. Allele origin: germline.
Comment: In summary, the available evidence is currently insufficient to determine the role of this variant in disease. Therefore, it has been classified as a Variant of Uncertain Significance. Advanced modeling of protein sequence and biophysical properties (such as structural, functional, and spatial information, amino acid conservation, physicochemical variation, residue mobility, and thermodynamic stability) performed at Invitae indicates that this missense variant is not expected to disrupt GLDC protein function. This variant has not been reported in the literature in individuals affected with GLDC-related conditions. This variant is not present in population databases (gnomAD no frequency). This sequence change replaces lysine, which is basic and polar, with methionine, which is neutral and non-polar, at codon 272 of the GLDC protein (p.Lys272Met).